The following is an entry in ClinVar:

ClinVar aggregate classification (germline): Uncertain significance. Review status: criteria provided, multiple submitters, no conflicts (2 of 4 stars). 2 submissions from 2 submitters: Uncertain significance (2). Last evaluated 2024-09-26.

Conditions:
Hereditary cancer-predisposing syndrome. Also called: Neoplastic Syndromes, Hereditary; Tumor predisposition; Hereditary Cancer Syndrome; Hereditary neoplastic syndrome. Identifiers: Orphanet 140162, MedGen C0027672, MeSH D009386, MONDO:0015356.

Submissions (2):

Ambry Genetics
Classification: Uncertain significance for Hereditary cancer-predisposing syndrome. Last evaluated: 2024-09-26. Review status: criteria provided, single submitter. Criteria: Ambry Variant Classification Scheme 2023. Collection method: clinical testing. Allele origin: germline.
Comment: The p.W1122C variant (also known as c.3366G>C), located in coding exon 24 of the MSH3 gene, results from a G to C substitution at nucleotide position 3366. The tryptophan at codon 1122 is replaced by cysteine, an amino acid with highly dissimilar properties. This amino acid position is conserved. In addition, the in silico prediction for this alteration is inconclusive. Based on the available evidence, the clinical significance of this variant remains unclear.

Labcorp Genetics (formerly Invitae), Labcorp
Classification: Uncertain significance. Last evaluated: 2023-05-22. Review status: criteria provided, single submitter. Criteria: Invitae Variant Classification Sherloc (09022015). Collection method: clinical testing. Allele origin: germline.
Comment: In summary, the available evidence is currently insufficient to determine the role of this variant in disease. Therefore, it has been classified as a Variant of Uncertain Significance. Algorithms developed to predict the effect of missense changes on protein structure and function output the following: SIFT: "Not Available"; PolyPhen-2: "Benign"; Align-GVGD: "Not Available". The cysteine amino acid residue is found in multiple mammalian species, which suggests that this missense change does not adversely affect protein function. ClinVar contains an entry for this variant (Variation ID: 2271697). This variant has not been reported in the literature in individuals affected with MSH3-related conditions. This variant is not present in population databases (gnomAD no frequency). This sequence change replaces tryptophan, which is neutral and slightly polar, with cysteine, which is neutral and slightly polar, at codon 1122 of the MSH3 protein (p.Trp1122Cys).

NM_002439.5(MSH3):c.3366G>C (p.Trp1122Cys)

Gene: MSH3 (mutS homolog 3; plus strand). Cytogenetic location: 5q14.1.
Variant type: single nucleotide variant.
Coding change: c.3366G>C on transcript NM_002439.5 (MANE Select); coding-DNA position 3366, G replaced by C.
Protein change: p.Trp1122Cys; replaces tryptophan 1122 with cysteine.
Molecular consequence: missense variant.
Genome position (GRCh38, 1-based): chr5:80,875,814, G>C. VCF-style: chr5-80875814-G-C. GRCh37 (hg19) VCF-style: chr5-80171633-G-C.
Other names: short protein forms W1122C.
Identifiers: ClinVar variation 2271697 (VCV002271697.6), dbSNP rs759757672, ClinGen allele CA360347409.